The following is an entry in ClinVar:

NM_005422.4(TECTA):c.808G>C (p.Gly270Arg)

Genes: TBCEL-TECTA (TBCEL-TECTA readthrough; plus strand), TECTA (tectorin alpha; plus strand). Cytogenetic location: 11q23.3.
Variant type: single nucleotide variant.
Coding change: c.808G>C on transcript NM_005422.4 (MANE Select); coding-DNA position 808, G replaced by C.
Protein change: p.Gly270Arg; replaces glycine 270 with arginine.
Molecular consequence: missense variant.
Genome position (GRCh38, 1-based): chr11:121,118,323, G>C. VCF-style: chr11-121118323-G-C. GRCh37 (hg19) VCF-style: chr11-120989032-G-C.
Other names: c.1765G>C, p.Gly589Arg (NM_001378761.1); short protein forms G270R, G589R.
Identifiers: ClinVar variation 1300387 (VCV001300387.11), dbSNP rs200001522, ClinGen allele CA229806510.

ClinVar aggregate classification (germline): Uncertain significance. Review status: criteria provided, multiple submitters, no conflicts (2 of 4 stars). 4 submissions from 4 submitters: Uncertain significance (4). Last evaluated 2025-07-10.

Conditions:
Inborn genetic diseases. Identifiers: MedGen C0950123, MeSH D030342.

Allele frequency attached by ClinVar (database versions not stated): gnomAD exomes 0.00002; gnomAD 0.00010 and 0.00011; TOPMed 0.00025.
gnomAD v4.1: 27 of 1,614,054 alleles (0.0017%); highest among the groups gnomAD compares: Admixed American, 0.037%; no homozygotes.

Submissions (4):

Women's Health and Genetics/Laboratory Corporation of America, LabCorp
Classification: Uncertain significance. Last evaluated: 2025-07-10. Review status: criteria provided, single submitter. Criteria: LabCorp Variant Classification Summary - May 2015. Collection method: clinical testing. Allele origin: germline.
Comment: Variant summary: TECTA c.808G>C (p.Gly270Arg) results in a non-conservative amino acid change located in the von Willebrand factor (vWF) type C domain (IPR001007) of the encoded protein sequence. Algorithms developed to predict the effect of missense changes on protein structure and function all suggest that this variant is likely to be disruptive. The variant allele was found at a frequency of 1.6e-05 in 251384 control chromosomes. The available data on variant occurrences in the general population are insufficient to allow any conclusion about variant significance. To our knowledge, no occurrence of c.808G>C in individuals affected with Deafness, Autosomal Recessive 21 and no experimental evidence demonstrating its impact on protein function have been reported. ClinVar contains an entry for this variant (Variation ID: 1300387). Based on the evidence outlined above, the variant was classified as uncertain significance.

Labcorp Genetics (formerly Invitae), Labcorp
Classification: Uncertain significance. Last evaluated: 2024-04-12. Review status: criteria provided, single submitter. Criteria: Invitae Variant Classification Sherloc (09022015). Collection method: clinical testing. Allele origin: germline.
Comment: This sequence change replaces glycine, which is neutral and non-polar, with arginine, which is basic and polar, at codon 270 of the TECTA protein (p.Gly270Arg). This variant is present in population databases (rs200001522, gnomAD 0.009%). This variant has not been reported in the literature in individuals affected with TECTA-related conditions. ClinVar contains an entry for this variant (Variation ID: 1300387). Advanced modeling of protein sequence and biophysical properties (such as structural, functional, and spatial information, amino acid conservation, physicochemical variation, residue mobility, and thermodynamic stability) has been performed at Invitae for this missense variant, however the output from this modeling did not meet the statistical confidence thresholds required to predict the impact of this variant on TECTA protein function. In summary, the available evidence is currently insufficient to determine the role of this variant in disease. Therefore, it has been classified as a Variant of Uncertain Significance.

Ambry Genetics
Classification: Uncertain significance for Inborn genetic diseases. Last evaluated: 2021-09-01. Review status: criteria provided, single submitter. Criteria: Ambry Variant Classification Scheme 2023. Collection method: clinical testing. Allele origin: germline.

GeneDx
Classification: Uncertain significance. Last evaluated: 2021-08-26. Review status: criteria provided, single submitter. Criteria: GeneDx Variant Classification Process June 2021. Collection method: clinical testing. Allele origin: germline. Affected: yes.
Comment: In silico analysis supports that this missense variant has a deleterious effect on protein structure/function; Has not been previously published as pathogenic or benign to our knowledge; This variant is associated with the following publications: (PMID: 9590290, 21520338, 31554319)